The following is an entry in ClinVar:

ClinVar aggregate classification (germline): Uncertain significance (1 of 4 stars; one submission).

Submission:

Labcorp Genetics (formerly Invitae), Labcorp
Classification: Uncertain significance. Last evaluated: 2024-09-21. Review status: criteria provided, single submitter. Criteria: Invitae Variant Classification Sherloc (09022015). Collection method: clinical testing. Allele origin: germline.
Comment: This variant, c.2306_2308del, results in the deletion of 1 amino acid(s) of the CDH2 protein (p.Asn769del), but otherwise preserves the integrity of the reading frame. This variant is not present in population databases (gnomAD no frequency). This variant has not been reported in the literature in individuals affected with CDH2-related conditions. Experimental studies and prediction algorithms are not available or were not evaluated, and the functional significance of this variant is currently unknown. In summary, the available evidence is currently insufficient to determine the role of this variant in disease. Therefore, it has been classified as a Variant of Uncertain Significance.

NM_001792.5(CDH2):c.2303ATA[1] (p.Asn769del)

Gene: CDH2 (cadherin 2; minus strand). Cytogenetic location: 18q12.1.
Variant type: Microsatellite.
Coding change: c.2303ATA[1] on transcript NM_001792.5 (MANE Select); one copy of the 3-base unit ATA starting at c.2303; the reference has two copies in a row; one copy, 3 bases deleted.
Protein change: p.Asn769del; deletes asparagine 769.
Genome position (GRCh38, 1-based): chr18:27,982,985-27,982,987, TAT deleted on the plus strand (ATA on the coding strand, the reverse complement: CDH2 is on the minus strand); deleting any 3 consecutive bases within chr18:27,982,985-27,982,990 gives the same sequence; the position shown is the placement nearest the transcript's 3' end. VCF-style (leftmost placement, unchanged base first): chr18-27982984-ATAT-A. GRCh37 (hg19) VCF-style: chr18-25562948-ATAT-A.
Other names: c.2210ATA[1], p.Asn738del (NM_001308176.2); short protein forms N738del, N769del.
Identifiers: ClinVar variation 3721239 (VCV003721239.2).